The following is an entry in ClinVar:

NM_153026.3(PRICKLE1):c.859T>G (p.Ser287Ala)

Genes: PRICKLE1 (prickle planar cell polarity protein 1; minus strand), LOC126861509 (BRD4-independent group 4 enhancer GRCh37_chr12:42858567-42859766; plus strand). Cytogenetic location: 12q12.
Variant type: single nucleotide variant.
Coding change: c.859T>G on transcript NM_153026.3 (MANE Select); coding-DNA position 859, T replaced by G.
Protein change: p.Ser287Ala; replaces serine 287 with alanine.
Molecular consequence: missense variant.
Genome position (GRCh38, 1-based): chr12:42,465,175, A>C on the plus strand (T>G on the coding strand, the complement: PRICKLE1 is on the minus strand). VCF-style: chr12-42465175-A-C. GRCh37 (hg19) VCF-style: chr12-42858977-A-C.
Other names: c.859T>G, p.Ser287Ala (NM_001144881.2, NM_001144882.2, NM_001144883.2); short protein forms S287A.
Identifiers: ClinVar variation 3424933 (VCV003424933.1).

ClinVar aggregate classification (germline): Uncertain significance (1 of 4 stars; one submission).

Submission:

Ambry Genetics
Classification: Uncertain significance. Last evaluated: 2024-11-15. Review status: criteria provided, single submitter. Criteria: Ambry Variant Classification Scheme 2023. Collection method: clinical testing. Allele origin: germline.
Comment: Does not currently meet published gene-disease clinical validity criteria Based on insufficient or conflicting evidence, the clinical significance of this alteration remains unclear.

Literature cited by the submitters: PubMed 28106320.